The following is an entry in ClinVar:

NM_181882.3(PRX):c.1523C>T (p.Pro508Leu)

Gene: PRX (periaxin; minus strand). Cytogenetic location: 19q13.2.
Variant type: single nucleotide variant.
Coding change: c.1523C>T on transcript NM_181882.3 (MANE Select); coding-DNA position 1523, C replaced by T.
Protein change: p.Pro508Leu; replaces proline 508 with leucine.
Molecular consequence: missense variant. On other transcripts: 3 prime UTR variant (1).
Genome position (GRCh38, 1-based): chr19:40,396,829, G>A on the plus strand (C>T on the coding strand, the complement: PRX is on the minus strand). VCF-style: chr19-40396829-G-A. GRCh37 (hg19) VCF-style: chr19-40902736-G-A.
Other names: c.1808C>T, p.Pro603Leu (NM_001411127.1); c.*1728C>T (NM_020956.2); short protein forms P508L, P603L.
Identifiers: ClinVar variation 1714150 (VCV001714150.6), dbSNP rs2514806500, ClinGen allele CA405898215.

ClinVar aggregate classification (germline): Uncertain significance. Review status: criteria provided, multiple submitters, no conflicts (2 of 4 stars). 2 submissions from 2 submitters: Uncertain significance (2). Last evaluated 2022-11-21.

Conditions:
Charcot-Marie-Tooth disease type 4. Also called: Charcot-Marie-Tooth disease, type IV; Charcot-Marie-Tooth, Type 4. Identifiers: Orphanet 64749, MedGen C4082197, MONDO:0018995.

Submissions (2):

Athena Diagnostics
Classification: Uncertain significance. Last evaluated: 2022-11-21. Review status: criteria provided, single submitter. Criteria: Athena Diagnostics Criteria. Collection method: clinical testing. Allele origin: unknown.
Comment: Available data are insufficient to determine the clinical significance of the variant at this time. This variant has not been reported in large, multi-ethnic general populations. Computational tools predict that this variant is not damaging.

Labcorp Genetics (formerly Invitae), Labcorp
Classification: Uncertain significance for Charcot-Marie-Tooth disease type 4. Last evaluated: 2022-07-29. Review status: criteria provided, single submitter. Criteria: Invitae Variant Classification Sherloc (09022015). Collection method: clinical testing. Allele origin: germline.
Comment: This sequence change replaces proline, which is neutral and non-polar, with leucine, which is neutral and non-polar, at codon 508 of the PRX protein (p.Pro508Leu). This variant is not present in population databases (gnomAD no frequency). This variant has not been reported in the literature in individuals affected with PRX-related conditions. Algorithms developed to predict the effect of missense changes on protein structure and function (SIFT, PolyPhen-2, Align-GVGD) all suggest that this variant is likely to be tolerated. In summary, the available evidence is currently insufficient to determine the role of this variant in disease. Therefore, it has been classified as a Variant of Uncertain Significance.